The following is an entry in ClinVar:

NM_004999.4(MYO6):c.1747G>A (p.Ala583Thr)

Gene: MYO6 (myosin VI; plus strand). Cytogenetic location: 6q14.1.
Variant type: single nucleotide variant.
Coding change: c.1747G>A on transcript NM_004999.4 (MANE Select); coding-DNA position 1747, G replaced by A.
Protein change: p.Ala583Thr; replaces alanine 583 with threonine.
Molecular consequence: missense variant. On other transcripts: non-coding transcript variant (1).
Genome position (GRCh38, 1-based): chr6:75,866,598, G>A. VCF-style: chr6-75866598-G-A. GRCh37 (hg19) VCF-style: chr6-76576315-G-A.
Other names: c.1747G>A (NM_004999.3); c.1747G>A, p.Ala583Thr (NM_001300899.2, NM_001368136.1, NM_001368137.1 and 2 more transcripts); c.1732G>A, p.Ala578Thr (NM_001368138.1); short protein forms A578T, A583T.
Identifiers: ClinVar variation 2744219 (VCV002744219.4), dbSNP rs1055148018, ClinGen allele CA141064356.

ClinVar aggregate classification (germline): Uncertain significance. Review status: criteria provided, multiple submitters, no conflicts (2 of 4 stars). 2 submissions from 2 submitters: Uncertain significance (2). Last evaluated 2023-06-14.

Allele frequency attached by ClinVar (database versions not stated): gnomAD exomes 0.00001; TOPMed 0.00001.
gnomAD v4.1: 4 of 1,613,982 alleles (0.00025%); highest among the groups gnomAD compares: Admixed American, 0.0067%; no homozygotes.

Submissions (2):

GeneDx
Classification: Uncertain significance. Last evaluated: 2023-06-14. Review status: criteria provided, single submitter. Criteria: GeneDx Variant Classification Process June 2021. Collection method: clinical testing. Allele origin: germline. Affected: yes.
Comment: Not observed at significant frequency in large population cohorts (gnomAD); In silico analysis supports that this missense variant has a deleterious effect on protein structure/function; Has not been previously published as pathogenic or benign to our knowledge

Labcorp Genetics (formerly Invitae), Labcorp
Classification: Uncertain significance. Last evaluated: 2022-12-26. Review status: criteria provided, single submitter. Criteria: Invitae Variant Classification Sherloc (09022015). Collection method: clinical testing. Allele origin: germline.
Comment: In summary, the available evidence is currently insufficient to determine the role of this variant in disease. Therefore, it has been classified as a Variant of Uncertain Significance. Advanced modeling of protein sequence and biophysical properties (such as structural, functional, and spatial information, amino acid conservation, physicochemical variation, residue mobility, and thermodynamic stability) performed at Invitae indicates that this missense variant is expected to disrupt MYO6 protein function. This variant has not been reported in the literature in individuals affected with MYO6-related conditions. This variant is present in population databases (no rsID available, gnomAD 0.003%). This sequence change replaces alanine, which is neutral and non-polar, with threonine, which is neutral and polar, at codon 583 of the MYO6 protein (p.Ala583Thr).